The following is an entry in ClinVar:

ClinVar aggregate classification (germline): Uncertain significance (1 of 4 stars; one submission).

Submission:

Ambry Genetics
Classification: Uncertain significance. Last evaluated: 2023-12-24. Review status: criteria provided, single submitter. Criteria: Ambry Variant Classification Scheme 2023. Collection method: clinical testing. Allele origin: germline.
Comment: The p.N229S variant (also known as c.686A>G), located in coding exon 5 of the BUB3 gene, results from an A to G substitution at nucleotide position 686. The asparagine at codon 229 is replaced by serine, an amino acid with highly similar properties. This amino acid position is conserved. In addition, this alteration is predicted to be tolerated by in silico analysis. Since supporting evidence is limited at this time, the clinical significance of this alteration remains unclear.

NM_004725.4(BUB3):c.686A>G (p.Asn229Ser)

Gene: BUB3 (BUB3 mitotic checkpoint protein; plus strand). Cytogenetic location: 10q26.13.
Variant type: single nucleotide variant.
Coding change: c.686A>G on transcript NM_004725.4 (MANE Select); coding-DNA position 686, A replaced by G.
Protein change: p.Asn229Ser; replaces asparagine 229 with serine.
Molecular consequence: missense variant.
Genome position (GRCh38, 1-based): chr10:123,162,345, A>G. VCF-style: chr10-123162345-A-G. GRCh37 (hg19) VCF-style: chr10-124921861-A-G.
Other names: c.686A>G, p.Asn229Ser (NM_001007793.3); short protein forms N229S.
Identifiers: ClinVar variation 3224518 (VCV003224518.1), dbSNP rs2493766068, ClinGen allele CA378626668.
Genomic context (GRCh38, chr10:123,162,345, plus strand): 5'-ACCCAAGCCCTGAGGTACAGAAGAAGAAGTATGCCTTCAAATGTCACAGACTAAAAGAAA[A>G]TAATATTGAGCAGATTTACCCAGTCAATGCCATTTCTTTTCACAATATCCACAATACATT-3'
Protein context (NP_004716.1, residues 219-239): YAFKCHRLKE[Asn229Ser]NIEQIYPVNA